The following is an entry in ClinVar:

ClinVar aggregate classification (germline): Uncertain significance (1 of 4 stars; one submission).

Conditions:
Bardet-Biedl syndrome (BBS). Identifiers: Orphanet 110, MedGen C0752166, MONDO:0015229.

Submission:

Labcorp Genetics (formerly Invitae), Labcorp
Classification: Uncertain significance for Bardet-Biedl syndrome. Last evaluated: 2021-09-24. Review status: criteria provided, single submitter. Criteria: Invitae Variant Classification Sherloc (09022015). Collection method: clinical testing. Allele origin: germline.
Comment: This sequence change replaces proline with serine at codon 163 of the TTC8 protein (p.Pro163Ser). The proline residue is highly conserved and there is a moderate physicochemical difference between proline and serine. This variant is not present in population databases (ExAC no frequency). This variant has not been reported in the literature in individuals affected with TTC8-related conditions. Algorithms developed to predict the effect of missense changes on protein structure and function (SIFT, PolyPhen-2, Align-GVGD) all suggest that this variant is likely to be tolerated. In summary, the available evidence is currently insufficient to determine the role of this variant in disease. Therefore, it has been classified as a Variant of Uncertain Significance.

NM_144596.4(TTC8):c.517C>T (p.Pro173Ser)

Gene: TTC8 (tetratricopeptide repeat domain 8; plus strand). Cytogenetic location: 14q31.3.
Variant type: single nucleotide variant.
Coding change: c.517C>T on transcript NM_144596.4 (MANE Select); coding-DNA position 517, C replaced by T.
Protein change: p.Pro173Ser; replaces proline 173 with serine.
Molecular consequence: missense variant. On other transcripts: 5 prime UTR variant (1), non-coding transcript variant (1), intron variant (3).
Genome position (GRCh38, 1-based): chr14:88,841,452, C>T. VCF-style: chr14-88841452-C-T. GRCh37 (hg19) VCF-style: chr14-89307796-C-T.
Other names: c.487C>T, p.Pro163Ser (NM_001288781.1, NM_001366535.2, NM_198309.3); c.-76C>T (NM_001288782.1); c.-199+256C>T (NM_001288783.1); c.459+256C>T (NM_198310.3, NM_001366536.2); short protein forms P173S, P163S.
Identifiers: ClinVar variation 1382958 (VCV001382958.3), dbSNP rs2140977797, ClinGen allele CA390575317.